The following is an entry in ClinVar:

NM_004370.6(COL12A1):c.769G>C (p.Val257Leu)

Gene: COL12A1 (collagen type XII alpha 1 chain; minus strand). Cytogenetic location: 6q13.
Variant type: single nucleotide variant.
Coding change: c.769G>C on transcript NM_004370.6 (MANE Select); coding-DNA position 769, G replaced by C.
Protein change: p.Val257Leu; replaces valine 257 with leucine.
Molecular consequence: missense variant. On other transcripts: intron variant (1).
Genome position (GRCh38, 1-based): chr6:75,189,271, C>G on the plus strand (G>C on the coding strand, the complement: COL12A1 is on the minus strand). VCF-style: chr6-75189271-C-G. GRCh37 (hg19) VCF-style: chr6-75898987-C-G.
Other names: c.73+13449G>C (NM_080645.3); c.769G>C (NM_004370.5); short protein forms V257L.
Identifiers: ClinVar variation 1474071 (VCV001474071.10), dbSNP rs775522044, ClinGen allele CA3894352.
Genomic context (GRCh38, chr6:75,189,271, plus strand): 5'-ACCTACCCAAGGAGAAAACTTCAACTCCAACATTACGAAGCTCTCTTGCTGGAATTTCCA[C>G]TTCATCCTGGGATTTTCCATCCGTAATAATAATTGCCACTTTAGGAAAGCCAACTCTTGC-3'
Protein context (NP_004361.3, residues 247-267): IITDGKSQDE[Val257Leu]EIPARELRNV

ClinVar aggregate classification (germline): Uncertain significance. Review status: criteria provided, multiple submitters, no conflicts (2 of 4 stars). 2 submissions from 2 submitters: Uncertain significance (2). Last evaluated 2024-01-04.

Conditions:
Bethlem myopathy 2 (BTHLM2). Identifiers: Orphanet 536516, Orphanet 610, MedGen C4225313, MONDO:0034022, OMIM 616471.
Ullrich congenital muscular dystrophy 2 (UCMD2). Identifiers: Orphanet 75840, MedGen C4225314, MONDO:0014654, OMIM 616470.

Allele frequency attached by ClinVar (database versions not stated): ExAC 0.00001; gnomAD exomes 0.00001.
gnomAD v4.1: 11 of 1,613,112 alleles (0.00068%); highest among the groups gnomAD compares: Non-Finnish European, 0.00093%; no homozygotes.

Submissions (2):

Labcorp Genetics (formerly Invitae), Labcorp
Classification: Uncertain significance for Bethlem myopathy 2; Ullrich congenital muscular dystrophy 2. Last evaluated: 2024-01-04. Review status: criteria provided, single submitter. Criteria: Invitae Variant Classification Sherloc (09022015). Collection method: clinical testing. Allele origin: germline.
Comment: This sequence change replaces valine, which is neutral and non-polar, with leucine, which is neutral and non-polar, at codon 257 of the COL12A1 protein (p.Val257Leu). This variant is present in population databases (rs775522044, gnomAD 0.002%). This variant has not been reported in the literature in individuals affected with COL12A1-related conditions. ClinVar contains an entry for this variant (Variation ID: 1474071). Advanced modeling of protein sequence and biophysical properties (such as structural, functional, and spatial information, amino acid conservation, physicochemical variation, residue mobility, and thermodynamic stability) performed at Invitae indicates that this missense variant is not expected to disrupt COL12A1 protein function with a negative predictive value of 80%. In summary, the available evidence is currently insufficient to determine the role of this variant in disease. Therefore, it has been classified as a Variant of Uncertain Significance.

Revvity Omics, Revvity
Classification: Uncertain significance. Last evaluated: 2020-11-09. Review status: criteria provided, single submitter. Criteria: ACMG Guidelines, 2015. Collection method: clinical testing. Allele origin: germline.